The following is an entry in ClinVar:

ClinVar aggregate classification (germline): Conflicting classifications of pathogenicity. Review status: criteria provided, conflicting classifications (1 of 4 stars). 2 submissions from 2 submitters: Uncertain significance (1); Likely benign (1). Last evaluated 2025-10-22.

Conditions:
Familial hemolytic anemia. Also called: Congenital hemolytic anemia. Identifiers: MedGen C0002881, MONDO:0003689, HP:0004804.

Allele frequency attached by ClinVar (database versions not stated): gnomAD exomes 0.00001; gnomAD 0.00005 and 0.00006; TOPMed 0.00007; ESP Exome Variant Server 0.00008.
gnomAD v4.1: 14 of 1,610,908 alleles (0.00087%); highest among the groups gnomAD compares: African/African-American, 0.019%; no homozygotes.

Submissions (2):

Labcorp Genetics (formerly Invitae), Labcorp
Classification: Uncertain significance. Last evaluated: 2025-10-22. Review status: criteria provided, single submitter. Criteria: Invitae Variant Classification Sherloc (09022015). Collection method: clinical testing. Allele origin: germline.
Comment: This sequence change replaces proline, which is neutral and non-polar, with threonine, which is neutral and polar, at codon 2091 of the SPTB protein (p.Pro2091Thr). The frequency data for this variant in the population databases is considered unreliable, as metrics indicate poor data quality at this position in the gnomAD database. This variant has not been reported in the literature in individuals affected with SPTB-related conditions. ClinVar contains an entry for this variant (Variation ID: 544818). An algorithm developed to predict the effect of missense changes on protein structure and function (PolyPhen-2) suggests that this variant is likely to be tolerated. In summary, the available evidence is currently insufficient to determine the role of this variant in disease. Therefore, it has been classified as a Variant of Uncertain Significance.

Department of Genetic, Henri Mondor Hospital, Assistance Publique des Hôpitaux de Paris
Classification: Likely benign for Familial hemolytic anemia. Last evaluated: 2018-02-27. Review status: criteria provided, single submitter. Criteria: ACMG Guidelines, 2015. Collection method: clinical testing. Allele origin: germline. Affected: yes.

NM_001355436.2(SPTB):c.6271C>A (p.Pro2091Thr)

Gene: SPTB (spectrin beta, erythrocytic; minus strand). Cytogenetic location: 14q23.3.
Variant type: single nucleotide variant.
Coding change: c.6271C>A on transcript NM_001355436.2 (MANE Select); coding-DNA position 6271, C replaced by A.
Protein change: p.Pro2091Thr; replaces proline 2091 with threonine.
Molecular consequence: missense variant.
Genome position (GRCh38, 1-based): chr14:64,766,800, G>T on the plus strand (C>A on the coding strand, the complement: SPTB is on the minus strand). VCF-style: chr14-64766800-G-T. GRCh37 (hg19) VCF-style: chr14-65233518-G-T.
Other names: c.6271C>A, p.Pro2091Thr (NM_001024858.4, NM_001355437.2); short protein forms P2091T.
Identifiers: ClinVar variation 544818 (VCV000544818.2), dbSNP rs372733273, ClinGen allele CA262681632.